The following is an entry in ClinVar:

ClinVar aggregate classification (germline): Uncertain significance (1 of 4 stars; one submission).

Submission:

Labcorp Genetics (formerly Invitae), Labcorp
Classification: Uncertain significance. Last evaluated: 2022-08-28. Review status: criteria provided, single submitter. Criteria: Invitae Variant Classification Sherloc (09022015). Collection method: clinical testing. Allele origin: germline.
Comment: In summary, the available evidence is currently insufficient to determine the role of this variant in disease. Therefore, it has been classified as a Variant of Uncertain Significance. Algorithms developed to predict the effect of missense changes on protein structure and function are either unavailable or do not agree on the potential impact of this missense change (SIFT: "Not Available"; PolyPhen-2: "Probably Damaging"; Align-GVGD: "Not Available"). This variant has not been reported in the literature in individuals affected with RIPK1-related conditions. This variant is not present in population databases (gnomAD no frequency). This sequence change replaces alanine, which is neutral and non-polar, with proline, which is neutral and non-polar, at codon 220 of the RIPK1 protein (p.Ala220Pro).

NM_001354930.2(RIPK1):c.658G>C (p.Ala220Pro)

Gene: RIPK1 (receptor interacting serine/threonine kinase 1; plus strand). Cytogenetic location: 6p25.2.
Variant type: single nucleotide variant.
Coding change: c.658G>C on transcript NM_001354930.2 (MANE Select); coding-DNA position 658, G replaced by C.
Protein change: p.Ala220Pro; replaces alanine 220 with proline.
Molecular consequence: missense variant.
Genome position (GRCh38, 1-based): chr6:3,083,283, G>C. VCF-style: chr6-3083283-G-C. GRCh37 (hg19) VCF-style: chr6-3083517-G-C.
Other names: c.169G>C, p.Ala57Pro (NM_001317061.3, NM_001354932.2, NM_001354933.2 and 1 more transcripts); c.520G>C, p.Ala174Pro (NM_001354931.2); c.658G>C, p.Ala220Pro (NM_003804.6); short protein forms A174P, A220P, A57P.
Identifiers: ClinVar variation 1715739 (VCV001715739.5), dbSNP rs374972263, ClinGen allele CA362579398.
Genomic context (GRCh38, chr6:3,083,283, plus strand): 5'-GACGTCAACGCAAAGCCCACAGAGAAGTCGGATGTGTACAGCTTTGCTGTAGTACTCTGG[G>C]CGATATTTGCAAATAAGGAGCCATATGAAAGTAAGGCATTACTTACTTTCCACTGCCGTC-3'
Protein context (NP_001341859.1, residues 210-230): DVYSFAVVLW[Ala220Pro]IFANKEPYEN